The following is an entry in ClinVar:

NM_006206.6(PDGFRA):c.1862T>C (p.Val621Ala)

Gene: PDGFRA (platelet derived growth factor receptor alpha; plus strand). Cytogenetic location: 4q12.
Variant type: single nucleotide variant.
Coding change: c.1862T>C on transcript NM_006206.6 (MANE Select); coding-DNA position 1862, T replaced by C.
Protein change: p.Val621Ala; replaces valine 621 with alanine.
Molecular consequence: missense variant.
Genome position (GRCh38, 1-based): chr4:54,277,463, T>C. VCF-style: chr4-54277463-T-C. GRCh37 (hg19) VCF-style: chr4-55143630-T-C.
Other names: c.1862T>C, p.Val621Ala (NM_001347827.2, NM_001347829.2); c.1937T>C, p.Val646Ala (NM_001347828.2); c.1901T>C, p.Val634Ala (NM_001347830.2); short protein forms V621A, V634A, V646A.
Identifiers: ClinVar variation 2110247 (VCV002110247.6), dbSNP rs2110309151, ClinGen allele CA356893483.
Genomic context (GRCh38, chr4:54,277,463, plus strand): 5'-CTGGAGCGTTTGGGAAGGTGGTTGAAGGAACAGCCTATGGATTAAGCCGGTCCCAACCTG[T>C]CATGAAAGTTGCAGTGAAGATGCTAAAACGTAAGTGCTCCTTCCTGGGGATTTTTTGAGC-3'
Protein context (NP_006197.1, residues 611-631): TAYGLSRSQP[Val621Ala]MKVAVKMLKP

ClinVar aggregate classification (germline): Uncertain significance. Review status: criteria provided, multiple submitters, no conflicts (2 of 4 stars). 2 submissions from 2 submitters: Uncertain significance (2). Last evaluated 2023-06-01.

Conditions:
Hereditary cancer-predisposing syndrome. Also called: Hereditary neoplastic syndrome; Neoplastic Syndromes, Hereditary; Hereditary Cancer Syndrome; Tumor predisposition. Identifiers: Orphanet 140162, MedGen C0027672, MeSH D009386, MONDO:0015356.
Gastrointestinal stromal tumor. Also called: Gastrointestinal stroma tumor; Gastrointestinal stromal tumor, somatic. Identifiers: Orphanet 44890, MedGen C0238198, MeSH D046152, MONDO:0011719, OMIM 606764, HP:0100723.

Submissions (2):

Ambry Genetics
Classification: Uncertain significance for Hereditary cancer-predisposing syndrome. Last evaluated: 2023-06-01. Review status: criteria provided, single submitter. Criteria: Ambry Variant Classification Scheme 2023. Collection method: clinical testing. Allele origin: germline.
Comment: The p.V621A variant (also known as c.1862T>C), located in coding exon 12 of the PDGFRA gene, results from a T to C substitution at nucleotide position 1862. The valine at codon 621 is replaced by alanine, an amino acid with similar properties. This amino acid position is conserved. In addition, the in silico prediction for this alteration is inconclusive. Since supporting evidence is limited at this time, the clinical significance of this alteration remains unclear.

Labcorp Genetics (formerly Invitae), Labcorp
Classification: Uncertain significance for Gastrointestinal stromal tumor. Last evaluated: 2022-03-12. Review status: criteria provided, single submitter. Criteria: Invitae Variant Classification Sherloc (09022015). Collection method: clinical testing. Allele origin: germline.
Comment: In summary, the available evidence is currently insufficient to determine the role of this variant in disease. Therefore, it has been classified as a Variant of Uncertain Significance. Algorithms developed to predict the effect of missense changes on protein structure and function are either unavailable or do not agree on the potential impact of this missense change (SIFT: "Tolerated"; PolyPhen-2: "Probably Damaging"; Align-GVGD: "Class C0"). This variant has not been reported in the literature in individuals affected with PDGFRA-related conditions. This variant is not present in population databases (gnomAD no frequency). This sequence change replaces valine, which is neutral and non-polar, with alanine, which is neutral and non-polar, at codon 621 of the PDGFRA protein (p.Val621Ala).